The following is an entry in ClinVar:

NM_001292063.2(OTOG):c.4156G>A (p.Asp1386Asn)

Gene: OTOG (otogelin; plus strand). Cytogenetic location: 11p15.1.
Variant type: single nucleotide variant.
Coding change: c.4156G>A on transcript NM_001292063.2 (MANE Select); coding-DNA position 4156, G replaced by A.
Protein change: p.Asp1386Asn; replaces aspartic acid 1386 with asparagine.
Molecular consequence: missense variant.
Genome position (GRCh38, 1-based): chr11:17,606,135, G>A. VCF-style: chr11-17606135-G-A. GRCh37 (hg19) VCF-style: chr11-17627682-G-A.
Other names: c.4192G>A, p.Asp1398Asn (NM_001277269.2); short protein forms D1398N, D1386N.
Identifiers: ClinVar variation 229092 (VCV000229092.5), dbSNP rs876657939, ClinGen allele CA10576865.
Genomic context (GRCh38, chr11:17,606,135, plus strand): 5'-GCCCTGCGGCTGTACGAACACACAGAGGTGTTCCGCCGGGGCACACTCTTCCGCCTTCTG[G>A]GTAGGCGACCCCCTGCCATTGCCCTCGGCCCTTTGGCCCTCTCAGTCCACTGCTCTTCCC-3'
Protein context (NP_001278992.1, residues 1376-1396): FRRGTLFRLL[Asp1386Asn]AKPSGAAYPI

ClinVar aggregate classification (germline): Uncertain significance (1 of 4 stars; one submission).

Submission:

Laboratory for Molecular Medicine, Mass General Brigham Personalized Medicine
Classification: Uncertain significance. Last evaluated: 2015-04-22. Review status: criteria provided, single submitter. Criteria: LMM Criteria. Collection method: clinical testing. Allele origin: germline. Observed: 1 variant allele.
Comment: Variant classified as Uncertain Significance - Favor Pathogenic. The p.Asp1398As n variant in OTOG has not been previously reported in individuals with hearing l oss and data from large population studies is insufficient to assess the frequen cy of this variant. This variant is located in the last base of the exon, which is part of the 5? splice region. Computational tools suggest an impact to splici ng; however, this information is not predictive enough to determine pathogenicit y. In summary, while there is some suspicion for a pathogenic role, the clinica l significance of this variant is uncertain.